The following is an entry in ClinVar:

ClinVar aggregate classification (germline): Uncertain significance (1 of 4 stars; one submission).

Allele frequency attached by ClinVar (database versions not stated): TOPMed 0.00001; gnomAD exomes 0.00003; ExAC 0.00006.

Submission:

Labcorp Genetics (formerly Invitae), Labcorp
Classification: Uncertain significance. Last evaluated: 2021-10-04. Review status: criteria provided, single submitter. Criteria: Invitae Variant Classification Sherloc (09022015). Collection method: clinical testing. Allele origin: germline.
Comment: This variant, c.1510_1530del, results in the deletion of 7 amino acid(s) of the NEFH protein (p.Pro504_Ala510del), but otherwise preserves the integrity of the reading frame. The frequency data for this variant in the population databases is considered unreliable, as metrics indicate poor data quality at this position in the ExAC database. This variant has not been reported in the literature in individuals affected with NEFH-related conditions. Experimental studies and prediction algorithms are not available or were not evaluated, and the functional significance of this variant is currently unknown. In summary, the available evidence is currently insufficient to determine the role of this variant in disease. Therefore, it has been classified as a Variant of Uncertain Significance.

NM_021076.4(NEFH):c.1510_1530del (p.Pro504_Ala510del)

Gene: NEFH (neurofilament heavy chain; plus strand). Cytogenetic location: 22q12.2.
Variant type: Deletion.
Coding change: c.1510_1530del on transcript NM_021076.4 (MANE Select); coding-DNA positions 1510 to 1530, 21 bases deleted (CCCCCAGCAGAAGAGGCTGCA).
Protein change: p.Pro504_Ala510del.
Molecular consequence: inframe deletion.
Genome position (GRCh38, 1-based): chr22:29,489,150-29,489,170, CCCCCAGCAGAAGAGGCTGCA deleted. VCF-style (leftmost placement, unchanged base first): chr22-29489149-TCCCCCAGCAGAAGAGGCTGCA-T. GRCh37 (hg19) VCF-style: chr22-29885138-TCCCCCAGCAGAAGAGGCTGCA-T.
Identifiers: ClinVar variation 1440858 (VCV001440858.6), dbSNP rs762277632, ClinGen allele CA10174224.